The following is an entry in ClinVar:

NM_031885.5(BBS2):c.2033C>T (p.Ala678Val)

Gene: BBS2 (Bardet-Biedl syndrome 2; minus strand). Cytogenetic location: 16q13.
Variant type: single nucleotide variant.
Coding change: c.2033C>T on transcript NM_031885.5 (MANE Select); coding-DNA position 2033, C replaced by T.
Protein change: p.Ala678Val; replaces alanine 678 with valine.
Molecular consequence: missense variant. On other transcripts: non-coding transcript variant (5).
Genome position (GRCh38, 1-based): chr16:56,485,616, G>A on the plus strand (C>T on the coding strand, the complement: BBS2 is on the minus strand). VCF-style: chr16-56485616-G-A. GRCh37 (hg19) VCF-style: chr16-56519528-G-A.
Other names: c.2033C>T, p.Ala678Val (NM_001377456.1); short protein forms A678V.
Identifiers: ClinVar variation 1508397 (VCV001508397.8), dbSNP rs1191917991, ClinGen allele CA395972952.

ClinVar aggregate classification (germline): Uncertain significance (1 of 4 stars; one submission).

Conditions:
Bardet-Biedl syndrome (BBS). Identifiers: Orphanet 110, MedGen C0752166, MONDO:0015229.

Submission:

Labcorp Genetics (formerly Invitae), Labcorp
Classification: Uncertain significance for Bardet-Biedl syndrome. Last evaluated: 2024-10-21. Review status: criteria provided, single submitter. Criteria: Invitae Variant Classification Sherloc (09022015). Collection method: clinical testing. Allele origin: germline.
Comment: This sequence change replaces alanine, which is neutral and non-polar, with valine, which is neutral and non-polar, at codon 678 of the BBS2 protein (p.Ala678Val). This variant is not present in population databases (gnomAD no frequency). This variant has not been reported in the literature in individuals affected with BBS2-related conditions. ClinVar contains an entry for this variant (Variation ID: 1508397). Invitae Evidence Modeling of protein sequence and biophysical properties (such as structural, functional, and spatial information, amino acid conservation, physicochemical variation, residue mobility, and thermodynamic stability) indicates that this missense variant is not expected to disrupt BBS2 protein function with a negative predictive value of 80%. In summary, the available evidence is currently insufficient to determine the role of this variant in disease. Therefore, it has been classified as a Variant of Uncertain Significance.